The following is an entry in ClinVar:

ClinVar aggregate classification (germline): Likely pathogenic (1 of 4 stars; one submission).

Conditions:
Dent disease type 1 (DENT1). Also called: NEPHROLITHIASIS 2; NEPHROLITHIASIS, HYPERCALCIURIC, X-LINKED. Identifiers: Orphanet 1652, Orphanet 93622, MedGen C1848336, MONDO:0010225, OMIM 300009.

Submission:

Division Of Personalized Genomic Medicine, Columbia University Irving Medical Center
Classification: Likely pathogenic for Dent disease type 1. Last evaluated: 2022-04-21. Review status: criteria provided, single submitter. Criteria: ACMG Guidelines, 2015. Collection method: clinical testing. Allele origin: germline. Inheritance: X-linked inheritance. Affected: yes. Observed: 1 hemizygote.
Comment: The c.105G>A, p.Glu35= variant in the CLCN5 gene is a synonymous variant resulting in a substitution of an adenine with a guanine at the last nucleotide of exon 2/12 of the encoded transcript [NM_000084.5]. It predicted to disrupt splicing based on in silico analyses (TraP-score, Human splicing finder, MaxEntScan and dbscSNV) and cause loss of function of the protein. This variant is absent from the gnomAD database, indicating it is not a common benign variant in the populations represented in this database. This variant has been reported in a patient with Dent disease (PMID: 25907713). Functional studies in vitro indicate that it disrupts the original splicing donor site, resulting in the generation of an aberrant donor site that led to a 23 bp insertion and frameshift (PMID: 32201916). CLCN5 encodes a voltage-gated chloride ion channel that belongs to a distinct branch of the chloride channel family. Loss of function variants in CLCN5 have been shown to be associated with X-linked renal tubular disorders characterized by low molecular weight proteinuria, hypercalciuria, nephrocalcinosis, nephrolithiasis and renal failure (PMID: 10906159, 8559248). Female carriers displayed a milder and variable phenotype (PMID: 8559248, 25907713).

Literature cited by the submitters: PubMed 25907713; PubMed 32201916.

NM_001127898.4(CLCN5):c.315G>A (p.Glu105=)

Gene: CLCN5 (Cl-/H+ antiporter 5; plus strand). Cytogenetic location: Xp11.23.
Variant type: single nucleotide variant.
Coding change: c.315G>A on transcript NM_001127898.4 (MANE Select); coding-DNA position 315, G replaced by A.
Protein change: p.Glu105=; no amino-acid change (glutamic acid 105 retained).
Molecular consequence: synonymous variant.
Genome position (GRCh38, 1-based): chrX:50,070,030, G>A. VCF-style: chrX-50070030-G-A. GRCh37 (hg19) VCF-style: chrX-49834685-G-A.
Other names: c.105G>A, p.Glu35= (NM_000084.5); c.315G>A, p.Glu105= (NM_001127899.4); c.165G>A, p.Glu55= (NM_001282163.2).
Identifiers: ClinVar variation 2674619 (VCV002674619.2), dbSNP rs2519397087, ClinGen allele CA516467057.